The following is an entry in ClinVar:

ClinVar aggregate classification (germline): Pathogenic. Review status: criteria provided, multiple submitters, no conflicts (2 of 4 stars). 5 submissions from 5 submitters: Pathogenic (3). 2 of the submissions do not count toward it. Last evaluated 2026-08-07.

Conditions:
Houge-Janssens syndrome 2. Also called: PPP2R1A-Related Neurodevelopmental Disorder; Microcephaly-corpus callosum hypoplasia-intellectual disability-facial dysmorphism syndrome; INTELLECTUAL DEVELOPMENTAL DISORDER, AUTOSOMAL DOMINANT 36. Identifiers: Orphanet 457284, MedGen C4225352, MONDO:0014605, OMIM 616362.

Submissions (5):

GeneDx
Classification: Pathogenic. Last evaluated: 2026-08-07. Review status: criteria provided, single submitter. Criteria: GeneDx Variant Classification Process June 2021. Collection method: clinical testing. Allele origin: germline.
Comment: Not observed at significant frequency in large population cohorts (gnomAD); In silico analysis supports that this missense variant has a deleterious effect on protein structure/function; This variant is associated with the following publications: (PMID: 37761890, 35982159, 36209351, Qian2023[casereport], 36672867, 33106617, 34228795, 34241636, 39300798, 37945024, 33057194, 35869530)

3billion
Classification: Pathogenic for Houge-Janssens syndrome 2. Last evaluated: 2024-07-18. Review status: criteria provided, single submitter. Criteria: ACMG Guidelines, 2015. Collection method: clinical testing. Allele origin: germline. Affected: yes.
Comment: The variant is not observed in the gnomAD v4.0.0 dataset. Predicted Consequence/Location: Missense changes are a common disease-causing mechanism. Functional studies provide supporting evidence of the variant having a damaging effect on the gene or gene product (PMID: 33106617). In silico tool predictions suggest damaging effect of the variant on gene or gene product [3Cnet: 0.77 (>=0.6, sensitivity 0.72 and precision 0.9)]. The same nucleotide change resulting in the same amino acid change has been previously reported as pathogenic/likely pathogenic with strong evidence (ClinVar ID: VCV001297557 /PMID: 33106617). The variant has been previously reported as de novo in a similarly affected individual (PMID: 33106617). Therefore, this variant is classified as Pathogenic according to the recommendation of ACMG/AMP guideline.

Labcorp Genetics (formerly Invitae), Labcorp
Classification: Pathogenic. Last evaluated: 2023-10-02. Review status: criteria provided, single submitter. Criteria: Invitae Variant Classification Sherloc (09022015). Collection method: clinical testing. Allele origin: germline.
Comment: This sequence change replaces valine, which is neutral and non-polar, with methionine, which is neutral and non-polar, at codon 220 of the PPP2R1A protein (p.Val220Met). This variant is not present in population databases (gnomAD no frequency). This missense change has been observed in individual(s) with PPP2R1A-related conditions (PMID: 33106617). In at least one individual the variant was observed to be de novo. ClinVar contains an entry for this variant (Variation ID: 1297557). Advanced modeling of protein sequence and biophysical properties (such as structural, functional, and spatial information, amino acid conservation, physicochemical variation, residue mobility, and thermodynamic stability) performed at Invitae indicates that this missense variant is expected to disrupt PPP2R1A protein function. Experimental studies have shown that this missense change affects PPP2R1A function (PMID: 33106617). For these reasons, this variant has been classified as Pathogenic.

Clinical Genetics DNA and cytogenetics Diagnostics Lab, Erasmus MC, Erasmus Medical Center
Classification: Uncertain significance. Review status: no assertion criteria provided. Collection method: clinical testing. Allele origin: germline. Affected: yes. Study: VKGL Data-share Consensus. Not counted in ClinVar's aggregate classification.

Joint Genome Diagnostic Labs from Nijmegen and Maastricht, Radboudumc and MUMC+
Classification: Uncertain significance. Review status: no assertion criteria provided. Collection method: clinical testing. Allele origin: germline. Affected: yes. Study: VKGL Data-share Consensus. Not counted in ClinVar's aggregate classification.

Literature cited by the submitters: PubMed 33106617 (cited by 3billion and Labcorp Genetics (formerly Invitae), Labcorp).

NM_014225.6(PPP2R1A):c.658G>A (p.Val220Met)

Gene: PPP2R1A (protein phosphatase 2 scaffold subunit Aalpha; plus strand). Cytogenetic location: 19q13.41.
Variant type: single nucleotide variant.
Coding change: c.658G>A on transcript NM_014225.6 (MANE Select); coding-DNA position 658, G replaced by A.
Protein change: p.Val220Met; replaces valine 220 with methionine.
Molecular consequence: missense variant. On other transcripts: non-coding transcript variant (1).
Genome position (GRCh38, 1-based): chr19:52,212,961, G>A. VCF-style: chr19-52212961-G-A. GRCh37 (hg19) VCF-style: chr19-52716214-G-A.
Other names: c.121G>A, p.Val41Met (NM_001363656.2); c.658G>A (NM_014225.5); short protein forms V220M, V41M.
Identifiers: ClinVar variation 1297557 (VCV001297557.10), dbSNP rs2122337413, ClinGen allele CA407184282.